The following is an entry in ClinVar:

NM_052947.4(ALPK2):c.4163T>C (p.Phe1388Ser)

Genes: ALPK2 (alpha kinase 2; minus strand), LOC126862764 (BRD4-independent group 4 enhancer GRCh37_chr18:56202574-56203773; plus strand). Cytogenetic location: 18q21.31.
Variant type: single nucleotide variant.
Coding change: c.4163T>C on transcript NM_052947.4 (MANE Select); coding-DNA position 4163, T replaced by C.
Protein change: p.Phe1388Ser; replaces phenylalanine 1388 with serine.
Molecular consequence: missense variant.
Genome position (GRCh38, 1-based): chr18:58,536,024, A>G on the plus strand (T>C on the coding strand, the complement: ALPK2 is on the minus strand). VCF-style: chr18-58536024-A-G. GRCh37 (hg19) VCF-style: chr18-56203256-A-G.
Other names: short protein forms F1388S.
Identifiers: ClinVar variation 3228723 (VCV003228723.1), dbSNP rs2051644546, ClinGen allele CA402563919.

ClinVar aggregate classification (germline): Uncertain significance (1 of 4 stars; one submission).

Allele frequency attached by ClinVar (database versions not stated): gnomAD exomes below 0.00001; TOPMed below 0.00001.
gnomAD v4.1: 1 of 1,571,092 alleles (0.000064%); highest among the groups gnomAD compares: Middle Eastern, 0.017%; no homozygotes.

Submission:

Ambry Genetics
Classification: Uncertain significance. Last evaluated: 2024-02-20. Review status: criteria provided, single submitter. Criteria: Ambry Variant Classification Scheme 2023. Collection method: clinical testing. Allele origin: germline.
Comment: The p.F1388S variant (also known as c.4163T>C), located in coding exon 4 of the ALPK2 gene, results from a T to C substitution at nucleotide position 4163. The phenylalanine at codon 1388 is replaced by serine, an amino acid with highly dissimilar properties. This amino acid position is conserved. In addition, this alteration is predicted to be tolerated by in silico analysis. Based on the available evidence, the clinical significance of this alteration remains unclear.